The following is an entry in ClinVar:

NM_198503.5(KCNT2):c.1835C>G (p.Pro612Arg)

Gene: KCNT2 (potassium sodium-activated channel subfamily T member 2; minus strand). Cytogenetic location: 1q31.3.
Variant type: single nucleotide variant.
Coding change: c.1835C>G on transcript NM_198503.5 (MANE Select); coding-DNA position 1835, C replaced by G.
Protein change: p.Pro612Arg; replaces proline 612 with arginine.
Molecular consequence: missense variant. On other transcripts: non-coding transcript variant (2).
Genome position (GRCh38, 1-based): chr1:196,334,009, G>C on the plus strand (C>G on the coding strand, the complement: KCNT2 is on the minus strand). VCF-style: chr1-196334009-G-C. GRCh37 (hg19) VCF-style: chr1-196303139-G-C.
Other names: c.1835C>G, p.Pro612Arg (NM_001287819.3); c.1685C>G, p.Pro562Arg (NM_001287820.3); short protein forms P562R, P612R.
Identifiers: ClinVar variation 5040012 (VCV005040012.1).
Genomic context (GRCh38, chr1:196,334,009, plus strand): 5'-ACAGGAGCAATGCTAGGTCTTCTTATTTCTTTGCTTCCCTCTGTAGGAAGAGACAGGGTA[G>C]GGCCACTTGCTGATCTACAGCTTGTATCTTGCAAGTCTATAGCCACAGTACCTAAAACAA-3'
Protein context (NP_940905.2, residues 602-622): QDTSCRSASG[Pro612Arg]TLSLPTEGSK

ClinVar aggregate classification (germline): Likely benign (1 of 4 stars; one submission).

gnomAD v4.1: 4 of 1,613,248 alleles (0.00025%); highest among the groups gnomAD compares: Admixed American, 0.005%; no homozygotes.

Submission:

CeGaT Center for Human Genetics Tuebingen
Classification: Likely benign. Last evaluated: 2026-07-01. Review status: criteria provided, single submitter. Criteria: CeGaT Center For Human Genetics Tuebingen Variant Classification Criteria Version 2. Collection method: clinical testing. Allele origin: germline. Affected: yes. Observed: 1 variant allele.
Comment: KCNT2: BP4